The following is an entry in ClinVar:

NM_001145511.2(NFIA):c.3+4381C>A

Genes: NFIA (nuclear factor I A; plus strand), LOC122056894 (Sharpr-MPRA regulatory region 5981; plus strand). Cytogenetic location: 1p31.3.
Variant type: single nucleotide variant.
Coding change: c.3+4381C>A on transcript NM_001145511.2; 4381 bases into the intron after coding-DNA position 3, C replaced by A.
Molecular consequence: intron variant. On other transcripts: nonsense (1).
Genome position (GRCh38, 1-based): chr1:61,082,009, C>A. VCF-style: chr1-61082009-C-A. GRCh37 (hg19) VCF-style: chr1-61547681-C-A.
Other names: c.66C>A, p.Cys22Ter (NM_001145512.2); short protein forms C22*.
Identifiers: ClinVar variation 2662449 (VCV002662449.1), dbSNP rs1294819009, ClinGen allele CA340585883.
Genomic context (GRCh38, chr1:61,082,009, plus strand): 5'-AATGTGCCGCCCGGCCTCCTCCTCGGTTCTCTACGTGCCCACGCGGTGGCCCGGGGGGTG[C>A]GGGGCAACCTGGCAAAGTTGCCCAAGTCCTCCACCGAGGTCCGCGGAGGTCTGCAGCGGG-3'

ClinVar aggregate classification (germline): Uncertain significance (1 of 4 stars; one submission).

gnomAD v4.1: 3 of 1,549,220 alleles (0.00019%); highest among the groups gnomAD compares: East Asian, 0.0073%; no homozygotes.

Submission:

GeneDx
Classification: Uncertain significance. Last evaluated: 2023-04-04. Review status: criteria provided, single submitter. Criteria: GeneDx Variant Classification Process June 2021. Collection method: clinical testing. Allele origin: germline. Affected: yes.
Comment: Identified in an individual with a neurodevelopmental disorder, but segregation and detailed clinical information was not provided (Wang et al., 2020); Nonsense variant predicted to result in protein truncation or nonsense mediated decay in a gene for which loss of function is a known mechanism of disease; Reported using an alternate transcript of the gene; This variant is associated with the following publications: (PMID: 33004838)